The following is an entry in ClinVar:

ClinVar aggregate classification (germline): Uncertain significance (1 of 4 stars; one submission).

Conditions:
COG5-congenital disorder of glycosylation. Also called: CDG IIi; CONGENITAL DISORDER OF GLYCOSYLATION, TYPE IIi; COG5-CDG. Identifiers: Orphanet 263487, MedGen C3150876, MONDO:0013325, OMIM 613612.

Allele frequency attached by ClinVar (database versions not stated): gnomAD exomes below 0.00001.
gnomAD v4.1: 1 of 1,609,658 alleles (0.000062%); highest among the groups gnomAD compares: African/African-American, 0.0013%; no homozygotes.

Submission:

Labcorp Genetics (formerly Invitae), Labcorp
Classification: Uncertain significance for COG5-congenital disorder of glycosylation. Last evaluated: 2022-02-03. Review status: criteria provided, single submitter. Criteria: Invitae Variant Classification Sherloc (09022015). Collection method: clinical testing. Allele origin: germline.
Comment: This sequence change replaces proline, which is neutral and non-polar, with threonine, which is neutral and polar, at codon 626 of the COG5 protein (p.Pro626Thr). This variant is not present in population databases (gnomAD no frequency). This variant has not been reported in the literature in individuals affected with COG5-related conditions. Algorithms developed to predict the effect of missense changes on protein structure and function are either unavailable or do not agree on the potential impact of this missense change (SIFT: "Tolerated"; PolyPhen-2: "Probably Damaging"; Align-GVGD: "Class C0"). In summary, the available evidence is currently insufficient to determine the role of this variant in disease. Therefore, it has been classified as a Variant of Uncertain Significance.

NM_006348.5(COG5):c.1783C>A (p.Pro595Thr)

Gene: COG5 (component of oligomeric golgi complex 5; minus strand). Cytogenetic location: 7q22.3.
Variant type: single nucleotide variant.
Coding change: c.1783C>A on transcript NM_006348.5 (MANE Select); coding-DNA position 1783, C replaced by A.
Protein change: p.Pro595Thr; replaces proline 595 with threonine.
Molecular consequence: missense variant.
Genome position (GRCh38, 1-based): chr7:107,248,466, G>T on the plus strand (C>A on the coding strand, the complement: COG5 is on the minus strand). VCF-style: chr7-107248466-G-T. GRCh37 (hg19) VCF-style: chr7-106888911-G-T.
Other names: c.1783C>A, p.Pro595Thr (NM_001161520.2, NM_001379513.1, NM_001379514.1); c.1621C>A, p.Pro541Thr (NM_001379511.1); c.1609C>A, p.Pro537Thr (NM_001379512.1); c.1213C>A, p.Pro405Thr (NM_001379515.1); c.1069C>A, p.Pro357Thr (NM_001379516.1); c.1720C>A, p.Pro574Thr (NM_181733.4); short protein forms P537T, P405T, P541T, P574T, P357T, P595T.
Identifiers: ClinVar variation 1525032 (VCV001525032.7), dbSNP rs1802220416, ClinGen allele CA368940440.